The following is an entry in ClinVar:

ClinVar aggregate classification (germline): Pathogenic. Review status: criteria provided, multiple submitters, no conflicts (2 of 4 stars). 2 submissions from 2 submitters: Pathogenic (2). Last evaluated 2024-01-24.

Conditions:
Ataxia-telangiectasia syndrome (AT). Also called: Ataxia-telangiectasia, complementation group E; LOUIS-BAR SYNDROME; Ataxia-telangiectasia, complementation group D; AT, COMPLEMENTATION GROUP C; Ataxia-telangiectasia; Cerebello-oculocutaneous telangiectasia. Identifiers: Orphanet 100, MedGen C0004135, MONDO:0008840, OMIM 208900.
Familial cancer of breast. Also called: hereditary breast carcinoma; BREAST CANCER, FAMILIAL; Hereditary breast cancer. Identifiers: Orphanet 227535, MedGen C0346153, MONDO:0016419, OMIM 114480. Disease mechanism: loss of function.

Submissions (2):

Myriad Genetics, Inc.
Classification: Pathogenic for Familial cancer of breast. Last evaluated: 2024-01-24. Review status: criteria provided, single submitter. Criteria: Myriad Autosomal Dominant, Autosomal Recessive and X-Linked Classification Criteria (2023). Collection method: clinical testing. Allele origin: unknown.
Comment: This variant is considered pathogenic. This variant creates a frameshift predicted to result in premature protein truncation.

Labcorp Genetics (formerly Invitae), Labcorp
Classification: Pathogenic for Ataxia-telangiectasia syndrome. Last evaluated: 2020-12-07. Review status: criteria provided, single submitter. Criteria: Invitae Variant Classification Sherloc (09022015). Collection method: clinical testing. Allele origin: germline.
Comment: This sequence change creates a premature translational stop signal (p.Leu1541Cysfs*2) in the ATM gene. It is expected to result in an absent or disrupted protein product. Loss-of-function variants in ATM are known to be pathogenic (PMID: 23807571, 25614872). For these reasons, this variant has been classified as Pathogenic. This variant has not been reported in the literature in individuals with ATM-related conditions. This variant is not present in population databases (ExAC no frequency).

Literature cited by the submitters: PubMed 23807571 (cited by Labcorp Genetics (formerly Invitae), Labcorp); PubMed 25614872 (cited by Labcorp Genetics (formerly Invitae), Labcorp).

NM_000051.4(ATM):c.4622del (p.Leu1541fs)

Gene: ATM (ATM serine/threonine kinase; plus strand). Cytogenetic location: 11q22.3.
Variant type: Deletion.
Coding change: c.4622del on transcript NM_000051.4 (MANE Select); coding-DNA position 4622, one base deleted (T; older notation c.4622delT).
Protein change: p.Leu1541fs; shifts the reading frame from leucine 1541.
Molecular consequence: frameshift variant.
Genome position (GRCh38, 1-based): chr11:108,293,323, T deleted; the last of 2 consecutive T bases (chr11:108,293,322-108,293,323); deleting either gives the same sequence. VCF-style (leftmost placement, unchanged base first): chr11-108293321-CT-C. GRCh37 (hg19) VCF-style: chr11-108164048-CT-C.
Other names: c.4622del, p.Leu1541fs (NM_001351834.2); short protein forms L1541fs.
Identifiers: ClinVar variation 1452690 (VCV001452690.7), dbSNP rs2135809766, ClinGen allele CA2573146677.